The following is an entry in ClinVar:

ClinVar aggregate classification (germline): Uncertain significance (1 of 4 stars; one submission).

Conditions:
Hereditary pheochromocytoma and paraganglioma. Also called: Hereditary paragangliomas and pheochromocytomas; Hereditary Paraganglioma-Pheochromocytoma Syndromes; Hereditary pheochromocytoma-paraganglioma. Identifiers: Orphanet 29072, MedGen C4274332, MONDO:0017366.

Submission:

Labcorp Genetics (formerly Invitae), Labcorp
Classification: Uncertain significance for Hereditary pheochromocytoma and paraganglioma. Last evaluated: 2022-08-27. Review status: criteria provided, single submitter. Criteria: Invitae Variant Classification Sherloc (09022015). Collection method: clinical testing. Allele origin: germline.
Comment: This variant has not been reported in the literature in individuals affected with SDHAF2-related conditions. This variant is not present in population databases (gnomAD no frequency). This sequence change replaces leucine, which is neutral and non-polar, with proline, which is neutral and non-polar, at codon 139 of the SDHAF2 protein (p.Leu139Pro). In summary, the available evidence is currently insufficient to determine the role of this variant in disease. Therefore, it has been classified as a Variant of Uncertain Significance. Algorithms developed to predict the effect of missense changes on protein structure and function are either unavailable or do not agree on the potential impact of this missense change (SIFT: "Tolerated"; PolyPhen-2: "Possibly Damaging"; Align-GVGD: "Class C0").

NM_017841.4(SDHAF2):c.416T>C (p.Leu139Pro)

Gene: SDHAF2 (succinate dehydrogenase complex assembly factor 2; plus strand). Cytogenetic location: 11q12.2.
Variant type: single nucleotide variant.
Coding change: c.416T>C on transcript NM_017841.4 (MANE Select); coding-DNA position 416, T replaced by C.
Protein change: p.Leu139Pro; replaces leucine 139 with proline.
Molecular consequence: missense variant.
Genome position (GRCh38, 1-based): chr11:61,445,986, T>C. VCF-style: chr11-61445986-T-C. GRCh37 (hg19) VCF-style: chr11-61213458-T-C.
Other names: short protein forms L139P.
Identifiers: ClinVar variation 2066093 (VCV002066093.4), dbSNP rs2540133044, ClinGen allele CA380685343.